The following is an entry in ClinVar:

ClinVar aggregate classification (germline): Uncertain significance. Review status: criteria provided, multiple submitters, no conflicts (2 of 4 stars). 3 submissions from 3 submitters: Uncertain significance (3). Last evaluated 2025-09-19.

Conditions:
Hypertrophic cardiomyopathy. Also called: HYPERTROPHIC MYOCARDIOPATHY. Identifiers: Orphanet 217569, MedGen C0007194, MeSH D002312, MONDO:0005045, HP:0001639.
Cardiovascular phenotype. Identifiers: MedGen CN230736.

Allele frequency attached by ClinVar (database versions not stated): TOPMed below 0.00001.

Submissions (3):

GeneDx
Classification: Uncertain significance. Last evaluated: 2025-09-19. Review status: criteria provided, single submitter. Criteria: GeneDx Variant Classification Process June 2021. Collection method: clinical testing. Allele origin: germline.
Comment: Not observed at significant frequency in large population cohorts (gnomAD); In silico analysis suggests that this missense variant does not alter protein structure/function; Has not been previously published as pathogenic or benign to our knowledge

Ambry Genetics
Classification: Uncertain significance for Cardiovascular phenotype. Last evaluated: 2025-06-23. Review status: criteria provided, single submitter. Criteria: Ambry Variant Classification Scheme 2023. Collection method: clinical testing. Allele origin: germline.
Comment: The p.I253V variant (also known as c.757A>G), located in coding exon 8 of the TPM1 gene, results from an A to G substitution at nucleotide position 757. The isoleucine at codon 253 is replaced by valine, an amino acid with highly similar properties. This amino acid position is conserved. In addition, this alteration is predicted to be deleterious by in silico analysis. Based on the available evidence, the clinical significance of this variant remains unclear.

Labcorp Genetics (formerly Invitae), Labcorp
Classification: Uncertain significance for Hypertrophic cardiomyopathy. Last evaluated: 2024-12-30. Review status: criteria provided, single submitter. Criteria: Invitae Variant Classification Sherloc (09022015). Collection method: clinical testing. Allele origin: germline.
Comment: This sequence change replaces isoleucine, which is neutral and non-polar, with valine, which is neutral and non-polar, at codon 253 of the TPM1 protein (p.Ile253Val). This variant is not present in population databases (gnomAD no frequency). This variant has not been reported in the literature in individuals affected with TPM1-related conditions. ClinVar contains an entry for this variant (Variation ID: 2499290). An algorithm developed to predict the effect of missense changes on protein structure and function (PolyPhen-2) suggests that this variant is likely to be disruptive. In summary, the available evidence is currently insufficient to determine the role of this variant in disease. Therefore, it has been classified as a Variant of Uncertain Significance.

NM_001018005.2(TPM1):c.757A>G (p.Ile253Val)

Gene: TPM1 (tropomyosin 1; plus strand). Cytogenetic location: 15q22.2.
Variant type: single nucleotide variant.
Coding change: c.757A>G on transcript NM_001018005.2 (MANE Select); coding-DNA position 757, A replaced by G.
Protein change: p.Ile253Val; replaces isoleucine 253 with valine.
Molecular consequence: missense variant. On other transcripts: non-coding transcript variant (17).
Genome position (GRCh38, 1-based): chr15:63,062,630, A>G. VCF-style: chr15-63062630-A-G. GRCh37 (hg19) VCF-style: chr15-63354829-A-G.
Other names: c.757A>G, p.Ile253Val (NM_000366.6, NM_001018004.2, NM_001018006.2 and 20 more transcripts); c.649A>G, p.Ile217Val (NM_001018008.2, NM_001301289.2, NM_001330344.2 and 9 more transcripts); c.883A>G, p.Ile295Val (NM_001365778.1, NM_001407322.1, NM_001407323.1 and 1 more transcripts); short protein forms I217V, I253V, I295V.
Identifiers: ClinVar variation 2499290 (VCV002499290.5), dbSNP rs2035794747, ClinGen allele CA392724653.